The following is an entry in ClinVar:

NM_005458.8(GABBR2):c.2053G>T (p.Ala685Ser)

Gene: GABBR2 (gamma-aminobutyric acid type B receptor subunit 2; minus strand). Cytogenetic location: 9q22.33.
Variant type: single nucleotide variant.
Coding change: c.2053G>T on transcript NM_005458.8 (MANE Select); coding-DNA position 2053, G replaced by T.
Protein change: p.Ala685Ser; replaces alanine 685 with serine.
Molecular consequence: missense variant.
Genome position (GRCh38, 1-based): chr9:98,306,297, C>A on the plus strand (G>T on the coding strand, the complement: GABBR2 is on the minus strand). VCF-style: chr9-98306297-C-A. GRCh37 (hg19) VCF-style: chr9-101068579-C-A.
Other names: short protein forms A685S.
Identifiers: ClinVar variation 1879738 (VCV001879738.29), dbSNP rs2131355168, ClinGen allele CA374200144.
Genomic context (GRCh38, chr9:98,306,297, plus strand): 5'-TGATGCACATGATCCCCACGTTGTAGACACTCATCCCGATGTACTTGCTGTCGTTGAGTG[C>A]GGGGATGCTGACGTTGCGGGTCTCCCAAGCTAAGAAACAACCGAACAACTGAAATGGTGA-3'
Protein context (NP_005449.5, residues 675-695): AWETRNVSIP[Ala685Ser]LNDSKYIGMS

ClinVar aggregate classification (germline): Uncertain significance (1 of 4 stars; one submission).

Submission:

CeGaT Center for Human Genetics Tuebingen
Classification: Uncertain significance. Last evaluated: 2022-11-01. Review status: criteria provided, single submitter. Criteria: CeGaT Center For Human Genetics Tuebingen Variant Classification Criteria Version 2. Collection method: clinical testing. Allele origin: germline. Affected: yes. Observed: 1 variant allele.
Comment: GABBR2: PM2, PP2, PP3